The following is an entry in ClinVar:

ClinVar aggregate classification (germline): Uncertain significance (1 of 4 stars; one submission).

Submission:

Labcorp Genetics (formerly Invitae), Labcorp
Classification: Uncertain significance. Last evaluated: 2024-09-04. Review status: criteria provided, single submitter. Criteria: Invitae Variant Classification Sherloc (09022015). Collection method: clinical testing. Allele origin: germline.
Comment: This sequence change replaces threonine, which is neutral and polar, with asparagine, which is neutral and polar, at codon 298 of the KAT6A protein (p.Thr298Asn). This variant is not present in population databases (gnomAD no frequency). This variant has not been reported in the literature in individuals affected with KAT6A-related conditions. An algorithm developed to predict the effect of missense changes on protein structure and function (PolyPhen-2) suggests that this variant is likely to be disruptive. In summary, the available evidence is currently insufficient to determine the role of this variant in disease. Therefore, it has been classified as a Variant of Uncertain Significance.

NM_006766.5(KAT6A):c.893C>A (p.Thr298Asn)

Gene: KAT6A (lysine acetyltransferase 6A; minus strand). Cytogenetic location: 8p11.21.
Variant type: single nucleotide variant.
Coding change: c.893C>A on transcript NM_006766.5 (MANE Select); coding-DNA position 893, C replaced by A.
Protein change: p.Thr298Asn; replaces threonine 298 with asparagine.
Molecular consequence: missense variant.
Genome position (GRCh38, 1-based): chr8:41,980,860, G>T on the plus strand (C>A on the coding strand, the complement: KAT6A is on the minus strand). VCF-style: chr8-41980860-G-T. GRCh37 (hg19) VCF-style: chr8-41838378-G-T.
Other names: c.893C>A, p.Thr298Asn (NM_001305878.2); short protein forms T298N.
Identifiers: ClinVar variation 3664526 (VCV003664526.2).
Genomic context (GRCh38, chr8:41,980,860, plus strand): 5'-CATCCTCCTTTATATTCCCAGTTTTATTTCAGAAAGTATTTCTCACCTTTTGGCATACGG[G>T]TGAGTGGCGGATCACAACACTCCATGTGAAAACCTCGGTCACATGAATCACAAAAGAGCA-3'
Protein context (NP_006757.2, residues 288-308): FHMECCDPPL[Thr298Asn]RMPKGMWICQ